The following is an entry in ClinVar:

ClinVar aggregate classification (germline): Pathogenic (1 of 4 stars; one submission).

Submission:

ARUP Laboratories, Molecular Genetics and Genomics, ARUP Laboratories
Classification: Pathogenic. Last evaluated: 2025-01-30. Review status: criteria provided, single submitter. Criteria: ARUP Molecular Germline Variant Investigation Process 2024. Collection method: clinical testing. Allele origin: germline.
Comment: The VWF c.324-1G>C variant, to our knowledge, is not reported in the medical literature or gene specific databases. This variant is also absent from the Genome Aggregation Database, indicating it is not a common polymorphism. This variant disrupts the canonical splice acceptor site of intron 4, which is likely to negatively impact gene function. Based on available information, this variant is considered to be pathogenic.

NM_000552.5(VWF):c.324-1G>C

Gene: VWF (von Willebrand factor; minus strand). Cytogenetic location: 12p13.31.
Variant type: single nucleotide variant.
Coding change: c.324-1G>C on transcript NM_000552.5 (MANE Select); the canonical splice acceptor site of the intron before coding-DNA position 324, G replaced by C.
Molecular consequence: splice acceptor variant.
Genome position (GRCh38, 1-based): chr12:6,110,583, C>G on the plus strand (G>C on the coding strand, the complement: VWF is on the minus strand). VCF-style: chr12-6110583-C-G. GRCh37 (hg19) VCF-style: chr12-6219749-C-G.
Identifiers: ClinVar variation 4685598 (VCV004685598.1).